The following is an entry in ClinVar:

ClinVar aggregate classification (germline): Likely benign. Review status: criteria provided, multiple submitters, no conflicts (2 of 4 stars). 2 submissions from 2 submitters: Likely benign (2). Last evaluated 2026-06-22.

Conditions:
Retinoblastoma (RB1). Also called: RETINOBLASTOMA, SOMATIC. Identifiers: Orphanet 790, MedGen C0035335, MeSH D012175, MONDO:0008380, OMIM 180200, HP:0009919. Disease mechanism: loss of function. Inheritance: Both sporadic and heritable forms are tested..

Allele frequency attached by ClinVar (database versions not stated): gnomAD 0.00001; ESP Exome Variant Server 0.00008; TOPMed below 0.00001; ExAC 0.00001; gnomAD exomes below 0.00001.
gnomAD v4.1: 2 of 1,609,926 alleles (0.00012%); highest among the groups gnomAD compares: African/African-American, 0.0027%; no homozygotes.

Submissions (2):

Myriad Genetics, Inc.
Classification: Likely benign for Retinoblastoma. Last evaluated: 2026-06-22. Review status: criteria provided, single submitter. Criteria: Myriad Autosomal Dominant, Autosomal Recessive and X-Linked Classification Criteria (2023). Collection method: clinical testing. Allele origin: unknown.
Comment: This variant is considered likely benign. This variant is intronic and is not expected to impact mRNA splicing.

Labcorp Genetics (formerly Invitae), Labcorp
Classification: Likely benign for Retinoblastoma. Last evaluated: 2026-01-26. Review status: criteria provided, single submitter. Criteria: Invitae Variant Classification Sherloc (09022015). Collection method: clinical testing. Allele origin: germline.

NM_000321.3(RB1):c.2714-13A>G

Gene: RB1 (RB transcriptional corepressor 1; plus strand). Cytogenetic location: 13q14.2.
Variant type: single nucleotide variant.
Coding change: c.2714-13A>G on transcript NM_000321.3 (MANE Select); 13 bases into the intron before coding-DNA position 2714, A replaced by G.
Molecular consequence: intron variant.
Genome position (GRCh38, 1-based): chr13:48,479,985, A>G. VCF-style: chr13-48479985-A-G. GRCh37 (hg19) VCF-style: chr13-49054121-A-G.
Identifiers: ClinVar variation 1456199 (VCV001456199.9), dbSNP rs370213866, ClinGen allele CA037209.